The following is an entry in ClinVar:

NM_000135.4(FANCA):c.1035G>T (p.Glu345Asp)

Gene: FANCA (FA complementation group A; minus strand). Cytogenetic location: 16q24.3.
Variant type: single nucleotide variant.
Coding change: c.1035G>T on transcript NM_000135.4 (MANE Select); coding-DNA position 1035, G replaced by T.
Protein change: p.Glu345Asp; replaces glutamic acid 345 with aspartic acid.
Molecular consequence: missense variant.
Genome position (GRCh38, 1-based): chr16:89,792,519, C>A on the plus strand (G>T on the coding strand, the complement: FANCA is on the minus strand). VCF-style: chr16-89792519-C-A. GRCh37 (hg19) VCF-style: chr16-89858927-C-A.
Other names: c.1035G>T, p.Glu345Asp (NM_001286167.3); short protein forms E345D.
Identifiers: ClinVar variation 4824610 (VCV004824610.1).
Genomic context (GRCh38, chr16:89,792,519, plus strand): 5'-ACATCCACTCACCCTGCGGTACAGTGAGGTGAGCAGAGGGTGTGTCCGCGCAAAGCTCCA[C>A]TCTCTCTGCATCTGAACAGCATCAGATGCTGCAGGGGGAGAAACAGACAAAAACTTCAAG-3'
Protein context (NP_000126.2, residues 335-355): KASDAVQMQR[Glu345Asp]WSFARTHPLL

ClinVar aggregate classification (germline): Uncertain significance (1 of 4 stars; one submission).

Conditions:
Inborn genetic diseases. Identifiers: MedGen C0950123, MeSH D030342.

Submission:

Ambry Genetics
Classification: Uncertain significance for Inborn genetic diseases. Last evaluated: 2026-02-19. Review status: criteria provided, single submitter. Criteria: Ambry Variant Classification Scheme 2023. Collection method: clinical testing. Allele origin: germline.
Comment: The p.E345D variant (also known as c.1035G>T), located in coding exon 12 of the FANCA gene, results from a G to T substitution at nucleotide position 1035. The glutamic acid at codon 345 is replaced by aspartic acid, an amino acid with highly similar properties. This amino acid position is conserved. In addition, this alteration is predicted to be tolerated by in silico analysis. Based on the available evidence, the clinical significance of this variant remains unclear.